The following is an entry in ClinVar:

NM_001330700.2(TOP2B):c.1267-3T>A

Gene: TOP2B (DNA topoisomerase II beta; minus strand). Cytogenetic location: 3p24.2.
Variant type: single nucleotide variant.
Coding change: c.1267-3T>A on transcript NM_001330700.2 (MANE Select); 3 bases into the intron before coding-DNA position 1267, T replaced by A.
Molecular consequence: intron variant.
Genome position (GRCh38, 1-based): chr3:25,630,942, A>T on the plus strand (T>A on the coding strand, the complement: TOP2B is on the minus strand). VCF-style: chr3-25630942-A-T. GRCh37 (hg19) VCF-style: chr3-25672433-A-T.
Other names: c.1252-3T>A (NM_001068.3).
Identifiers: ClinVar variation 2867313 (VCV002867313.3), dbSNP rs769982121, ClinGen allele CA2288703.

ClinVar aggregate classification (germline): Uncertain significance (1 of 4 stars; one submission).

Allele frequency attached by ClinVar (database versions not stated): ExAC 0.00001; gnomAD exomes 0.00001; gnomAD 0.00002; TOPMed 0.00001.
gnomAD v4.1: 11 of 1,582,334 alleles (0.0007%); highest among the groups gnomAD compares: Non-Finnish European, 0.00094%; no homozygotes.

Submission:

Labcorp Genetics (formerly Invitae), Labcorp
Classification: Uncertain significance. Last evaluated: 2025-11-03. Review status: criteria provided, single submitter. Criteria: Invitae Variant Classification Sherloc (09022015). Collection method: clinical testing. Allele origin: germline.
Comment: This sequence change falls in intron 10 of the TOP2B gene. It does not directly change the encoded amino acid sequence of the TOP2B protein. It affects a nucleotide within the consensus splice site. This variant is present in population databases (rs769982121, gnomAD 0.001%). This variant has not been reported in the literature in individuals affected with TOP2B-related conditions. ClinVar contains an entry for this variant (Variation ID: 2867313). Variants that disrupt the consensus splice site are a relatively common cause of aberrant splicing (PMID: 17576681, 9536098). Algorithms developed to predict the effect of sequence changes on RNA splicing suggest that this variant is not likely to affect RNA splicing. In summary, the available evidence is currently insufficient to determine the role of this variant in disease. Therefore, it has been classified as a Variant of Uncertain Significance.

Literature cited by the submitters: PubMed 17576681; PubMed 9536098.